The following is an entry in ClinVar:

ClinVar aggregate classification (germline): Likely benign. Review status: criteria provided, multiple submitters, no conflicts (2 of 4 stars). 2 submissions from 2 submitters: Likely benign (2). Last evaluated 2025-12-01.

Conditions:
KMT2D-related disorder. Also called: KMT2D-Related Disorders.
Kabuki syndrome. Also called: NIIKAWA-KUROKI SYNDROME; Kabuki make-up syndrome. Identifiers: Orphanet 2322, MedGen C0796004, MONDO:0016512.

Allele frequency attached by ClinVar (database versions not stated): TOPMed below 0.00001; gnomAD 0.00001; gnomAD exomes 0.00006.
gnomAD v4.1: 81 of 1,611,082 alleles (0.005%); highest among the groups gnomAD compares: Non-Finnish European, 0.0067%; no homozygotes.

Submissions (2):

Labcorp Genetics (formerly Invitae), Labcorp
Classification: Likely benign for Kabuki syndrome. Last evaluated: 2025-12-01. Review status: criteria provided, single submitter. Criteria: Invitae Variant Classification Sherloc (09022015). Collection method: clinical testing. Allele origin: germline.

PreventionGenetics, part of Exact Sciences
Classification: Likely benign for KMT2D-related condition. Last evaluated: 2025-04-10. Review status: criteria provided, single submitter. Criteria: ACMG Guidelines, 2015. Collection method: clinical testing. Allele origin: germline.
Comment: This variant is classified as likely benign based on ACMG/AMP sequence variant interpretation guidelines (Richards et al. 2015 PMID: 25741868, with internal and published modifications).

NM_003482.4(KMT2D):c.8651T>C (p.Val2884Ala)

Gene: KMT2D (lysine methyltransferase 2D; minus strand). Cytogenetic location: 12q13.12.
Variant type: single nucleotide variant.
Coding change: c.8651T>C on transcript NM_003482.4 (MANE Select); coding-DNA position 8651, T replaced by C.
Protein change: p.Val2884Ala; replaces valine 2884 with alanine.
Molecular consequence: missense variant.
Genome position (GRCh38, 1-based): chr12:49,038,705, A>G on the plus strand (T>C on the coding strand, the complement: KMT2D is on the minus strand). VCF-style: chr12-49038705-A-G. GRCh37 (hg19) VCF-style: chr12-49432488-A-G.
Other names: c.8651T>C (NM_003482.3); short protein forms V2884A.
Identifiers: ClinVar variation 1350044 (VCV001350044.9), dbSNP rs1218338638, ClinGen allele CA384741360.